The following is an entry in ClinVar:

ClinVar aggregate classification (germline): Conflicting classifications of pathogenicity. Review status: criteria provided, conflicting classifications (1 of 4 stars). 2 submissions from 2 submitters: Uncertain significance (1); Likely benign (1). Last evaluated 2024-08-06.

Submissions (2):

Blueprint Genetics
Classification: Likely benign. Last evaluated: 2024-08-06. Review status: criteria provided, single submitter. Criteria: ACMG Guidelines, 2015. Collection method: clinical testing. Allele origin: germline.

Labcorp Genetics (formerly Invitae), Labcorp
Classification: Uncertain significance. Last evaluated: 2024-07-12. Review status: criteria provided, single submitter. Criteria: Invitae Variant Classification Sherloc (09022015). Collection method: clinical testing. Allele origin: germline.
Comment: This sequence change replaces alanine, which is neutral and non-polar, with threonine, which is neutral and polar, at codon 582 of the ARHGAP31 protein (p.Ala582Thr). This variant is present in population databases (rs777956645, gnomAD 0.01%). This variant has not been reported in the literature in individuals affected with ARHGAP31-related conditions. An algorithm developed to predict the effect of missense changes on protein structure and function outputs the following: PolyPhen-2: "Benign". The threonine amino acid residue is found in multiple mammalian species, which suggests that this missense change does not adversely affect protein function. In summary, the available evidence is currently insufficient to determine the role of this variant in disease. Therefore, it has been classified as a Variant of Uncertain Significance.

NM_020754.4(ARHGAP31):c.1744G>A (p.Ala582Thr)

Gene: ARHGAP31 (Rho GTPase activating protein 31; plus strand). Cytogenetic location: 3q13.33.
Variant type: single nucleotide variant.
Coding change: c.1744G>A on transcript NM_020754.4 (MANE Select); coding-DNA position 1744, G replaced by A.
Protein change: p.Ala582Thr; replaces alanine 582 with threonine.
Molecular consequence: missense variant.
Genome position (GRCh38, 1-based): chr3:119,409,594, G>A. VCF-style: chr3-119409594-G-A. GRCh37 (hg19) VCF-style: chr3-119128441-G-A.
Other names: short protein forms A582T.
Identifiers: ClinVar variation 3715052 (VCV003715052.3).
Genomic context (GRCh38, chr3:119,409,594, plus strand): 5'-GCAGTACCTGAAGCACCGGGGACAGTGGAATGCAGCAAAGGCCTGTCCCAGGAGCCAGGC[G>A]CCCACCTGGAGGAGAAGAAAACCCCAGAAAGCTCCTTGAGCTCTCAACATTTAAATGAAT-3'
Protein context (NP_065805.2, residues 572-592): CSKGLSQEPG[Ala582Thr]HLEEKKTPES